The following is an entry in ClinVar:

NM_014000.3(VCL):c.945C>A (p.Gly315=)

Gene: VCL (vinculin; plus strand). Cytogenetic location: 10q22.2.
Variant type: single nucleotide variant.
Coding change: c.945C>A on transcript NM_014000.3 (MANE Select); coding-DNA position 945, C replaced by A.
Protein change: p.Gly315=; no amino-acid change (glycine 315 retained).
Molecular consequence: synonymous variant.
Genome position (GRCh38, 1-based): chr10:74,083,436, C>A. VCF-style: chr10-74083436-C-A. GRCh37 (hg19) VCF-style: chr10-75843194-C-A.
Other names: p.G315G:GGC>GGA; p.Gly315=; c.945C>A, p.Gly315= (NM_003373.4).
Identifiers: ClinVar variation 45622 (VCV000045622.33), dbSNP rs61731180, ClinGen allele CA136814.

ClinVar aggregate classification (germline): Benign/Likely benign. Review status: criteria provided, multiple submitters, no conflicts (2 of 4 stars). 13 submissions from 13 submitters: Benign (8); Likely benign (2). 3 of the submissions do not count toward it. Last evaluated 2026-02-03.

Conditions:
Cardiovascular phenotype. Identifiers: MedGen CN230736.
Cardiomyopathy (CMYO). Also called: Cardiomyopathies. Identifiers: Orphanet 167848, MedGen C0878544, MONDO:0004994, HP:0001638. Inheritance: Various modes of inheritance.
Dilated cardiomyopathy 1W (CMD1W). Identifiers: Orphanet 154, MedGen C1969639, MONDO:0012667, OMIM 611407.

Allele frequency attached by ClinVar (database versions not stated): gnomAD exomes 0.00250 and 0.00664; ExAC 0.00861; gnomAD 0.02657 and 0.02850; 1000 Genomes Project 0.02736; TOPMed 0.02899; 1000 Genomes Project 30x 0.02998; ESP Exome Variant Server 0.03060.
gnomAD v4.1: 7,882 of 1,614,024 alleles (0.49%); highest among the groups gnomAD compares: African/African-American, 9.3%; 364 homozygotes.

Submissions (13):

Labcorp Genetics (formerly Invitae), Labcorp
Classification: Benign for Dilated cardiomyopathy 1W. Last evaluated: 2026-02-03. Review status: criteria provided, single submitter. Criteria: Invitae Variant Classification Sherloc (09022015). Collection method: clinical testing. Allele origin: germline.

Molecular Diagnostic Laboratory for Inherited Cardiovascular Disease, Montreal Heart Institute
Classification: Benign. Last evaluated: 2025-04-09. Review status: criteria provided, single submitter. Criteria: ACMG Guidelines, 2015. Collection method: clinical testing. Allele origin: germline. Affected: no.

Illumina Laboratory Services, Illumina
Classification: Likely benign for Dilated cardiomyopathy 1W. Last evaluated: 2018-01-13. Review status: criteria provided, single submitter. Criteria: ICSL Variant Classification Criteria 13 December 2019. Collection method: clinical testing. Allele origin: germline.
Comment: This variant was observed in the ICSL laboratory as part of a predisposition screen in an ostensibly healthy population. It had not been previously curated by ICSL or reported in the Human Gene Mutation Database (HGMD: prior to June 1st, 2018), and was therefore a candidate for classification through an automated scoring system. Utilizing variant allele frequency, disease prevalence and penetrance estimates, and inheritance mode, an automated score was calculated to assess if this variant is too frequent to cause the disease. Based on the score and internal cut-off values, a variant classified as likely benign is not then subjected to further curation. The score for this variant resulted in a classification of likely benign for this disease.

CHEO Genetics Diagnostic Laboratory, Children's Hospital of Eastern Ontario
Classification: Benign for Cardiomyopathy. Last evaluated: 2016-06-14. Review status: criteria provided, single submitter. Criteria: ACMG Guidelines, 2015. Collection method: clinical testing. Allele origin: germline. Study: Canadian Open Genetics Repository.

Ambry Genetics
Classification: Benign for Cardiovascular phenotype. Last evaluated: 2015-07-02. Review status: criteria provided, single submitter. Criteria: Ambry Variant Classification Scheme 2023. Collection method: clinical testing. Allele origin: germline.

Mayo Clinic Laboratories, Mayo Clinic
Classification: Benign. Last evaluated: 2014-03-07. Review status: criteria provided, single submitter. Criteria: ACMG Guidelines, 2015. Collection method: clinical testing. Allele origin: germline. Observed: 38 variant alleles.

GeneDx
Classification: Benign. Last evaluated: 2013-04-26. Review status: criteria provided, single submitter. Criteria: GeneDx Variant Classification (06012015). Collection method: clinical testing. Allele origin: germline. Affected: yes.
Comment: This variant is considered likely benign or benign based on one or more of the following criteria: it is a conservative change, it occurs at a poorly conserved position in the protein, it is predicted to be benign by multiple in silico algorithms, and/or has population frequency not consistent with disease.

Laboratory for Molecular Medicine, Mass General Brigham Personalized Medicine
Classification: Benign. Last evaluated: 2012-01-06. Review status: criteria provided, single submitter. Criteria: LMM Criteria. Collection method: clinical testing. Allele origin: germline. Observed: 75 variant alleles.
Comment: Gly315Gly in exon 8 of VCL: This variant is classified as benign because it does not change the amino acid and is frequent in the general population (rs61731180 , MAF >1%).

Breakthrough Genomics
Classification: Likely benign. Review status: criteria provided, single submitter. Criteria: ACMG Guidelines, 2015. Collection method: not provided. Allele origin: germline. Inheritance: Autosomal dominant inheritance. Affected: yes.

PreventionGenetics, part of Exact Sciences
Classification: Benign. Review status: criteria provided, single submitter. Criteria: ACMG Guidelines, 2015. Collection method: clinical testing. Allele origin: germline.

Clinical Genetics DNA and cytogenetics Diagnostics Lab, Erasmus MC, Erasmus Medical Center
Classification: Benign. Review status: no assertion criteria provided. Collection method: clinical testing. Allele origin: germline. Affected: yes. Study: VKGL Data-share Consensus. Not counted in ClinVar's aggregate classification.

Clinical Genetics, Academic Medical Center
Classification: Benign. Review status: no assertion criteria provided. Collection method: clinical testing. Allele origin: germline. Affected: yes. Study: VKGL Data-share Consensus. Not counted in ClinVar's aggregate classification.

Joint Genome Diagnostic Labs from Nijmegen and Maastricht, Radboudumc and MUMC+
Classification: Benign. Review status: no assertion criteria provided. Collection method: clinical testing. Allele origin: germline. Affected: yes. Study: VKGL Data-share Consensus. Not counted in ClinVar's aggregate classification.